The following is an entry in ClinVar:

NM_001470.4(GABBR1):c.1591G>A (p.Gly531Ser)

Gene: GABBR1 (gamma-aminobutyric acid type B receptor subunit 1; minus strand). Cytogenetic location: 6p22.1.
Variant type: single nucleotide variant.
Coding change: c.1591G>A on transcript NM_001470.4 (MANE Select); coding-DNA position 1591, G replaced by A.
Protein change: p.Gly531Ser; replaces glycine 531 with serine.
Molecular consequence: missense variant.
Genome position (GRCh38, 1-based): chr6:29,612,590, C>T on the plus strand (G>A on the coding strand, the complement: GABBR1 is on the minus strand). VCF-style: chr6-29612590-C-T. GRCh37 (hg19) VCF-style: chr6-29580367-C-T.
Other names: c.1405G>A, p.Gly469Ser (NM_021904.4); c.1591G>A (NM_001470.3); c.1060G>A, p.Gly354Ser (NM_001319053.2); c.1240G>A, p.Gly414Ser (NM_021903.3); short protein forms G354S, G414S, G469S, G531S.
Identifiers: ClinVar variation 3777072 (VCV003777072.2).

ClinVar aggregate classification (germline): Pathogenic/Likely pathogenic. Review status: criteria provided, multiple submitters, no conflicts (2 of 4 stars). 2 submissions from 2 submitters: Pathogenic (1); Likely pathogenic (1). Last evaluated 2025-01-22.

Conditions:
GABBR1-related neurodevelopmental disorder.

Submissions (2):

GeneDx
Classification: Pathogenic. Last evaluated: 2025-01-22. Review status: criteria provided, single submitter. Criteria: GeneDx Variant Classification Process June 2021. Collection method: clinical testing. Allele origin: germline. Affected: yes.
Comment: Not observed at significant frequency in large population cohorts (gnomAD); In silico analysis supports that this missense variant has a deleterious effect on protein structure/function; This variant is associated with the following publications: (PMID: 33057194, 28714951, 35982160, 35982159)

University of Washington Department of Laboratory Medicine, University of Washington
Classification: Likely pathogenic for GABBR1-related neurodevelopmental disorder. Last evaluated: 2023-06-01. Review status: criteria provided, single submitter. Criteria: ACMG Guidelines, 2015. Collection method: clinical testing. Allele origin: de novo. Affected: yes.
Comment: This variant was absent from large population databases, including the Genome Aggregation Database. The GABBR1 gene has fewer missense variants in the general population than expected. A low rate of missense variation may suggest that this gene is intolerant to missense variation. In silico tools predict that the p.Gly531Ser variant is deleterious; however, these predictions have not been tested directly. Using ACMG guidelines, this variant was classified as likely pathogenic for autosomal dominant GABBR1-related neurodevelopmental disorder (ACMG evidence codes used: PS2, PM2_supporting, PP2, PP3).